The following is an entry in ClinVar:

NM_001042413.2(GLIS3):c.2051C>T (p.Pro684Leu)

Genes: GLIS3 (GLIS family zinc finger 3; minus strand), GLIS3-AS1 (GLIS3 antisense RNA 1; plus strand). Cytogenetic location: 9p24.2.
Variant type: single nucleotide variant.
Coding change: c.2051C>T on transcript NM_001042413.2 (MANE Select); coding-DNA position 2051, C replaced by T.
Protein change: p.Pro684Leu; replaces proline 684 with leucine.
Molecular consequence: missense variant. On other transcripts: non-coding transcript variant (1).
Genome position (GRCh38, 1-based): chr9:3,898,768, G>A on the plus strand (C>T on the coding strand, the complement: GLIS3 is on the minus strand). VCF-style: chr9-3898768-G-A. GRCh37 (hg19) VCF-style: chr9-3898768-G-A.
Other names: c.2051C>T, p.Pro684Leu (NM_001438906.1, NM_001438907.1, NM_001438908.1); c.1586C>T, p.Pro529Leu (NM_001438909.1, NM_152629.4); c.1385C>T, p.Pro462Leu (NM_001438911.1, NM_001438912.1); short protein forms P462L, P684L, P529L.
Identifiers: ClinVar variation 4979977 (VCV004979977.1).

ClinVar aggregate classification (germline): Uncertain significance (1 of 4 stars; one submission).

Conditions:
GLIS3-related disorder. Also called: GLIS3-related condition.

gnomAD v4.1: 38 of 1,614,182 alleles (0.0024%); highest among the groups gnomAD compares: East Asian, 0.013%; no homozygotes.

Submission:

PreventionGenetics, part of Exact Sciences
Classification: Uncertain significance for GLIS3-related condition. Last evaluated: 2026-02-10. Review status: criteria provided, single submitter. Criteria: ACMG Guidelines, 2015. Collection method: clinical testing. Allele origin: germline.
Comment: The GLIS3 c.2051C>T variant is predicted to result in the amino acid substitution p.Pro684Leu. To our knowledge, this variant has not been reported in the literature. This variant is reported in 0.015% of alleles in individuals of East Asian descent in gnomAD. At this time, the clinical significance of this variant is uncertain due to the absence of conclusive functional and genetic evidence.